The following is an entry in ClinVar:

NM_000516.7(GNAS):c.1068dup (p.His357fs)

Gene: GNAS (GNAS complex locus; plus strand). Cytogenetic location: 20q13.32.
Variant type: Duplication.
Coding change: c.1068dup on transcript NM_000516.7 (MANE Select); coding-DNA position 1068, one base duplicated (T; older notation c.1068dupT).
Protein change: p.His357fs; shifts the reading frame from histidine 357.
Molecular consequence: frameshift variant. On other transcripts: 3 prime UTR variant (2).
Genome position (GRCh38, 1-based): chr20:58,910,712, T duplicated. VCF-style (leftmost placement, unchanged base first): chr20-58910711-G-GT. GRCh37 (hg19) VCF-style: chr20-57485766-G-GT.
Other names: c.1071dup, p.His358fs (NM_001077488.5); c.1023dup, p.His342fs (NM_001077489.4); c.*929dup (NM_001077490.3); c.891dup, p.His298fs (NM_001309840.2, NM_001309861.2); c.*974dup (NM_016592.5); c.2997dup, p.His1000fs (NM_080425.4); c.1026dup, p.His343fs (NM_080426.4); short protein forms H343fs, H1000fs, H298fs, H357fs, H358fs, H342fs.
Identifiers: ClinVar variation 1441448 (VCV001441448.6), dbSNP rs2146305350, ClinGen allele CA2573157159.

ClinVar aggregate classification (germline): Pathogenic (1 of 4 stars; one submission).

Submission:

Labcorp Genetics (formerly Invitae), Labcorp
Classification: Pathogenic. Last evaluated: 2021-11-06. Review status: criteria provided, single submitter. Criteria: Invitae Variant Classification Sherloc (09022015). Collection method: clinical testing. Allele origin: germline.
Comment: For these reasons, this variant has been classified as Pathogenic. This variant disrupts a region of the GNAS protein in which other variant(s) (p.Glu392Lys) have been determined to be pathogenic (PMID: 12970262, 21488135, 21525160, 24651309). This suggests that this is a clinically significant region of the protein, and that variants that disrupt it are likely to be disease-causing. This variant has not been reported in the literature in individuals affected with GNAS-related conditions. This variant is not present in population databases (gnomAD no frequency). This sequence change creates a premature translational stop signal (p.His357Serfs*14) in the GNAS gene. While this is not anticipated to result in nonsense mediated decay, it is expected to disrupt the last 38 amino acid(s) of the GNAS protein.

Literature cited by the submitters: PubMed 12970262; PubMed 21488135; PubMed 21525160; PubMed 24651309.